The following is an entry in ClinVar:

ClinVar aggregate classification (germline): Uncertain significance (1 of 4 stars; one submission).

Submission:

Labcorp Genetics (formerly Invitae), Labcorp
Classification: Uncertain significance. Last evaluated: 2021-12-09. Review status: criteria provided, single submitter. Criteria: Invitae Variant Classification Sherloc (09022015). Collection method: clinical testing. Allele origin: germline.
Comment: In summary, the available evidence is currently insufficient to determine the role of this variant in disease. Therefore, it has been classified as a Variant of Uncertain Significance. Algorithms developed to predict the effect of missense changes on protein structure and function are either unavailable or do not agree on the potential impact of this missense change (SIFT: "Not Available"; PolyPhen-2: "Probably Damaging"; Align-GVGD: "Not Available"). This variant has not been reported in the literature in individuals affected with TULP1-related conditions. This variant is not present in population databases (gnomAD no frequency). This sequence change replaces valine, which is neutral and non-polar, with methionine, which is neutral and non-polar, at codon 11 of the TULP1 protein (p.Val11Met).

NM_003322.6(TULP1):c.31G>A (p.Val11Met)

Gene: TULP1 (TUB like protein 1; minus strand). Cytogenetic location: 6p21.31.
Variant type: single nucleotide variant.
Coding change: c.31G>A on transcript NM_003322.6 (MANE Select); coding-DNA position 31, G replaced by A.
Protein change: p.Val11Met; replaces valine 11 with methionine.
Molecular consequence: missense variant.
Genome position (GRCh38, 1-based): chr6:35,512,828, C>T on the plus strand (G>A on the coding strand, the complement: TULP1 is on the minus strand). VCF-style: chr6-35512828-C-T. GRCh37 (hg19) VCF-style: chr6-35480605-C-T.
Other names: c.31G>A, p.Val11Met (NM_001289395.2); short protein forms V11M.
Identifiers: ClinVar variation 2039045 (VCV002039045.4), dbSNP rs145272099, ClinGen allele CA363785434.